The following is an entry in ClinVar:

ClinVar aggregate classification (germline): Uncertain significance (1 of 4 stars; one submission).

Conditions:
Juvenile onset Parkinson disease 19A. Also called: PARK19; DNAJC6 Parkinson Disease. Identifiers: Orphanet 391411, MedGen C3809811, MONDO:0014231, OMIM 615528.

Submission:

Labcorp Genetics (formerly Invitae), Labcorp
Classification: Uncertain significance for Juvenile onset Parkinson disease 19A. Last evaluated: 2021-08-12. Review status: criteria provided, single submitter. Criteria: Invitae Variant Classification Sherloc (09022015). Collection method: clinical testing. Allele origin: germline.
Comment: In summary, the available evidence is currently insufficient to determine the role of this variant in disease. Therefore, it has been classified as a Variant of Uncertain Significance. Algorithms developed to predict the effect of missense changes on protein structure and function (SIFT, PolyPhen-2, Align-GVGD) all suggest that this variant is likely to be tolerated. This variant has not been reported in the literature in individuals affected with DNAJC6-related conditions. This variant is not present in population databases (ExAC no frequency). This sequence change replaces serine with alanine at codon 450 of the DNAJC6 protein (p.Ser450Ala). The serine residue is highly conserved and there is a moderate physicochemical difference between serine and alanine.

NM_001256864.2(DNAJC6):c.1348T>G (p.Ser450Ala)

Gene: DNAJC6 (DnaJ heat shock protein family (Hsp40) member C6; plus strand). Cytogenetic location: 1p31.3.
Variant type: single nucleotide variant.
Coding change: c.1348T>G on transcript NM_001256864.2 (MANE Select); coding-DNA position 1348, T replaced by G.
Protein change: p.Ser450Ala; replaces serine 450 with alanine.
Molecular consequence: missense variant.
Genome position (GRCh38, 1-based): chr1:65,389,410, T>G. VCF-style: chr1-65389410-T-G. GRCh37 (hg19) VCF-style: chr1-65855093-T-G.
Other names: c.1138T>G, p.Ser380Ala (NM_001256865.2); c.1177T>G, p.Ser393Ala (NM_014787.4); short protein forms S380A, S393A, S450A.
Identifiers: ClinVar variation 1374469 (VCV001374469.6), dbSNP rs1645902989, ClinGen allele CA340686710.